The following is an entry in ClinVar:

ClinVar aggregate classification (germline): Uncertain significance (1 of 4 stars; one submission).

Conditions:
Nephronophthisis. Also called: Juvenile Nephronophthisis. Identifiers: Orphanet 655, MedGen C0687120, MONDO:0019005, HP:0000090.

Allele frequency attached by ClinVar (database versions not stated): TOPMed below 0.00001; gnomAD 0.00001.
gnomAD v4.1: 1 of 1,614,044 alleles (0.000062%); highest among the groups gnomAD compares: African/African-American, 0.0013%; no homozygotes.

Submission:

Labcorp Genetics (formerly Invitae), Labcorp
Classification: Uncertain significance for Nephronophthisis. Last evaluated: 2022-07-06. Review status: criteria provided, single submitter. Criteria: Invitae Variant Classification Sherloc (09022015). Collection method: clinical testing. Allele origin: germline.
Comment: This variant is not present in population databases (gnomAD no frequency). This sequence change replaces glutamic acid, which is acidic and polar, with glycine, which is neutral and non-polar, at codon 947 of the NPHP3 protein (p.Glu947Gly). This variant has not been reported in the literature in individuals affected with NPHP3-related conditions. Algorithms developed to predict the effect of missense changes on protein structure and function are either unavailable or do not agree on the potential impact of this missense change (SIFT: "Tolerated"; PolyPhen-2: "Probably Damaging"; Align-GVGD: "Class C0"). In summary, the available evidence is currently insufficient to determine the role of this variant in disease. Therefore, it has been classified as a Variant of Uncertain Significance.

NM_153240.5(NPHP3):c.2840A>G (p.Glu947Gly)

Genes: NPHP3 (nephrocystin 3; minus strand), NPHP3-ACAD11 (NPHP3-ACAD11 readthrough (NMD candidate); minus strand). Cytogenetic location: 3q22.1.
Variant type: single nucleotide variant.
Coding change: c.2840A>G on transcript NM_153240.5 (MANE Select); coding-DNA position 2840, A replaced by G.
Protein change: p.Glu947Gly; replaces glutamic acid 947 with glycine.
Molecular consequence: missense variant. On other transcripts: non-coding transcript variant (1).
Genome position (GRCh38, 1-based): chr3:132,689,117, T>C on the plus strand (A>G on the coding strand, the complement: NPHP3 is on the minus strand). VCF-style: chr3-132689117-T-C. GRCh37 (hg19) VCF-style: chr3-132407961-T-C.
Other names: short protein forms E947G.
Identifiers: ClinVar variation 1979227 (VCV001979227.4), dbSNP rs1939236073, ClinGen allele CA354580347.